The following is an entry in ClinVar:

NM_000548.5(TSC2):c.2050G>C (p.Val684Leu)

Gene: TSC2 (TSC complex subunit 2; plus strand). Cytogenetic location: 16p13.3.
Variant type: single nucleotide variant.
Coding change: c.2050G>C on transcript NM_000548.5 (MANE Select); coding-DNA position 2050, G replaced by C.
Protein change: p.Val684Leu; replaces valine 684 with leucine.
Molecular consequence: missense variant.
Genome position (GRCh38, 1-based): chr16:2,071,887, G>C. VCF-style: chr16-2071887-G-C. GRCh37 (hg19) VCF-style: chr16-2121888-G-C.
Other names: c.2050G>C, p.Val684Leu (NM_001406663.1, NM_001406664.1, NM_001406665.1 and 6 more transcripts); c.2140G>C, p.Val714Leu (NM_001406667.1, NM_001406668.1); c.1939G>C, p.Val647Leu (NM_001406670.1, NM_001318827.2, NM_001406678.1); c.2038G>C, p.Val680Leu (NM_001406671.1, NM_001406673.1); c.1903G>C, p.Val635Leu (NM_001406675.1, NM_001318829.2, NM_001406676.1 and 1 more transcripts); c.1450G>C, p.Val484Leu (NM_001406686.1, NM_001406687.1, NM_001406688.1 and 6 more transcripts); c.706G>C, p.Val236Leu (NM_001406689.1, NM_001406690.1, NM_001406691.1 and 6 more transcripts); c.448G>C, p.Val150Leu (NM_001406698.1); and 3 more; short protein forms V150L, V236L, V484L, V530L, V635L, V647L, V665L, V680L.
Identifiers: ClinVar variation 1717813 (VCV001717813.32), dbSNP rs779275341, ClinGen allele CA394274596.

ClinVar aggregate classification (germline): Conflicting classifications of pathogenicity. Review status: criteria provided, conflicting classifications (1 of 4 stars). 3 submissions from 3 submitters: Uncertain significance (2); Likely benign (1). Last evaluated 2023-01-01.

Conditions:
Hereditary cancer-predisposing syndrome. Also called: Hereditary neoplastic syndrome; Tumor predisposition; Neoplastic Syndromes, Hereditary; Hereditary Cancer Syndrome. Identifiers: Orphanet 140162, MedGen C0027672, MeSH D009386, MONDO:0015356.
Tuberous sclerosis 2 (TSC2). Identifiers: Orphanet 805, MedGen C1860707, MONDO:0013199, OMIM 613254.

gnomAD v4.1: 1 of 1,597,192 alleles (0.000063%); highest among the groups gnomAD compares: Non-Finnish European, 0.000085%; no homozygotes.

Submissions (3):

CeGaT Center for Human Genetics Tuebingen
Classification: Uncertain significance. Last evaluated: 2023-01-01. Review status: criteria provided, single submitter. Criteria: CeGaT Center For Human Genetics Tuebingen Variant Classification Criteria Version 2. Collection method: clinical testing. Allele origin: germline. Affected: yes. Observed: 1 variant allele.
Comment: TSC2: PM2

Labcorp Genetics (formerly Invitae), Labcorp
Classification: Uncertain significance for Tuberous sclerosis 2. Last evaluated: 2022-08-23. Review status: criteria provided, single submitter. Criteria: Invitae Variant Classification Sherloc (09022015). Collection method: clinical testing. Allele origin: germline.
Comment: This variant has not been reported in the literature in individuals affected with TSC2-related conditions. This variant is not present in population databases (gnomAD no frequency). This sequence change replaces valine, which is neutral and non-polar, with leucine, which is neutral and non-polar, at codon 684 of the TSC2 protein (p.Val684Leu). Advanced modeling of protein sequence and biophysical properties (such as structural, functional, and spatial information, amino acid conservation, physicochemical variation, residue mobility, and thermodynamic stability) performed at Invitae indicates that this missense variant is not expected to disrupt TSC2 protein function. In summary, the available evidence is currently insufficient to determine the role of this variant in disease. Therefore, it has been classified as a Variant of Uncertain Significance.

Ambry Genetics
Classification: Likely benign for Hereditary cancer-predisposing syndrome. Last evaluated: 2020-09-29. Review status: criteria provided, single submitter. Criteria: Ambry Variant Classification Scheme 2023. Collection method: clinical testing. Allele origin: germline.